The following is an entry in ClinVar:

NM_198428.3(BBS9):c.2298+1G>A

Gene: BBS9 (Bardet-Biedl syndrome 9; plus strand). Cytogenetic location: 7p14.3.
Variant type: single nucleotide variant.
Coding change: c.2298+1G>A on transcript NM_198428.3 (MANE Select); the canonical splice donor site of the intron after coding-DNA position 2298, G replaced by A.
Molecular consequence: splice donor variant. On other transcripts: intron variant (1).
Genome position (GRCh38, 1-based): chr7:33,505,646, G>A. VCF-style: chr7-33505646-G-A. GRCh37 (hg19) VCF-style: chr7-33545258-G-A.
Other names: c.2298+1G>A (NM_001348036.1, NM_001362679.1, NM_001348041.4 and 1 more transcripts); c.2025+1G>A (NM_001348038.3); c.1920+1G>A (NM_001348039.3); c.2283+1G>A (NM_001033605.2); c.2193+1G>A (NM_001033604.2); c.2178+1G>A (NM_014451.4, NM_001348040.3); c.1750-28308G>A (NM_001348037.3); c.2163+1G>A (NM_001348042.3); and 2 more.
Identifiers: ClinVar variation 3348636 (VCV003348636.1).

ClinVar aggregate classification (germline): Uncertain significance (0 of 4 stars; one submission).

Conditions:
BBS9-related disorder. Also called: BBS9-related condition.

Submission:

PreventionGenetics, part of Exact Sciences
Classification: Uncertain significance for BBS9-related condition. Last evaluated: 2023-12-29. Review status: no assertion criteria provided. Collection method: clinical testing. Allele origin: germline.
Comment: The BBS9 c.2298+1G>A variant is predicted to disrupt the GT donor site and interfere with normal splicing. This variant is predicted to abolish the canonical splice donor site (SpliceAI, Jaganathan et al. 2019. PubMed ID: 30661751). Although the impact on splicing cannot be predicted, exon skipping would lead to an inframe deletion. To our knowledge, this variant has not been reported in the literature or in a large population database, indicating this variant is rare. Although we suspect that this variant may be pathogenic, at this time, the clinical significance of this variant is uncertain due to the absence of conclusive functional and genetic evidence.